The following is an entry in ClinVar:

NM_001079802.2(FKTN):c.531T>A (p.His177Gln)

Gene: FKTN (fukutin; plus strand). Cytogenetic location: 9q31.2.
Variant type: single nucleotide variant.
Coding change: c.531T>A on transcript NM_001079802.2 (MANE Select); coding-DNA position 531, T replaced by A.
Protein change: p.His177Gln; replaces histidine 177 with glutamine.
Molecular consequence: missense variant. On other transcripts: non-coding transcript variant (2).
Genome position (GRCh38, 1-based): chr9:105,604,376, T>A. VCF-style: chr9-105604376-T-A. GRCh37 (hg19) VCF-style: chr9-108366657-T-A.
Other names: c.531T>A, p.His177Gln (NM_001198963.2, NM_001351496.2, NM_001351498.2 and 1 more transcripts); c.462T>A, p.His154Gln (NM_001351497.2); c.135T>A, p.His45Gln (NM_001351499.2, NM_001351500.2, NM_001351501.2 and 1 more transcripts); c.531T>A (NM_001079802.1); short protein forms H177Q, H154Q, H45Q.
Identifiers: ClinVar variation 285381 (VCV000285381.9), dbSNP rs534638144, ClinGen allele CA5170432.
Genomic context (GRCh38, chr9:105,604,376, plus strand): 5'-AATCCCCCTGCACTATATCTGCAAACTGGCCACTCATGCGATCCACTTGGTAGTCTTTCA[T>A]GAGAGGAGTGGCAACTACCTCTGGCACGGCCACTTGAGACTTAAAGAACACATTGACAGG-3'
Protein context (NP_001073270.1, residues 167-187): ATHAIHLVVF[His177Gln]ERSGNYLWHG

ClinVar aggregate classification (germline): Uncertain significance. Review status: criteria provided, multiple submitters, no conflicts (2 of 4 stars). 4 submissions from 4 submitters: Uncertain significance (4). Last evaluated 2024-10-28.

Conditions:
Muscular dystrophy-dystroglycanopathy (congenital with brain and eye anomalies), type A1 (MDDGA1). Also called: Muscular dystrophy-dystroglycanopathy (congenital with brain and eye anomalies), type A, 1; WALKER-WARBURG SYNDROME OR MUSCLE-EYE-BRAIN DISEASE, POMT1-RELATED; Hydrocephalus, agyria and retinal dysplasia; Hard +/- E syndrome; Warburg syndrome; Chemke syndrome. Identifiers: Orphanet 588, Orphanet 899, MedGen C4284790, MONDO:0009364, OMIM 236670.
Dilated cardiomyopathy 1X (CMD1X). Also called: CARDIOMYOPATHY, DILATED, WITH MILD OR NO PROXIMAL MUSCLE WEAKNESS; FKTN-Related Dilated Cardiomyopathy. Identifiers: Orphanet 154, MedGen C1969024, MONDO:0012704, OMIM 611615.
Muscular dystrophy-dystroglycanopathy (congenital without impaired intellectual development), type B, 4. Also called: Muscular dystrophy-dystroglycanopathy (congenital without intellectual disability), type B4; MUSCULAR DYSTROPHY, CONGENITAL, FKTN-RELATED. Identifiers: MedGen C2751052, MONDO:0013156, OMIM 613152.
Autosomal recessive limb-girdle muscular dystrophy type 2M. Also called: MUSCULAR DYSTROPHY-DYSTROGLYCANOPATHY (LIMB-GIRDLE), TYPE C, 4; MUSCULAR DYSTROPHY, LIMB-GIRDLE, TYPE 2M. Identifiers: Orphanet 206554, MedGen C1969040, MONDO:0012699, OMIM 611588.
Muscular dystrophy-dystroglycanopathy (congenital with brain and eye anomalies), type A, 4 (MDDGA4). Also called: WALKER-WARBURG SYNDROME OR MUSCLE-EYE-BRAIN DISEASE, FKTN-RELATED; Congenital muscular dystrophy-dystroglycanopathy with brain and eye anomalies, type A4; Muscular dystrophy, congenital progressive, with mental retardation; Muscular dystrophy, congenital, with central nervous system involvement; Cerebromuscular dystrophy, Fukuyama type; Fukuyama congenital muscular dystrophy. Identifiers: Orphanet 272, Orphanet 588, Orphanet 899, MedGen C0410174, MONDO:0009678, OMIM 253800.
Walker-Warburg congenital muscular dystrophy. Also called: Muscular dystrophy-dystroglycanopathy, type A; Walker-Warburg syndrome. Identifiers: Orphanet 899, MedGen C0265221, MONDO:0000171.

Allele frequency attached by ClinVar (database versions not stated): gnomAD 0.00002 and below 0.00001; gnomAD exomes 0.00007; ExAC 0.00008; 1000 Genomes Project 0.00020; 1000 Genomes Project 30x 0.00016.
gnomAD v4.1: 47 of 1,614,172 alleles (0.0029%); highest among the groups gnomAD compares: South Asian, 0.051%; 1 homozygote.

Submissions (4):

Revvity Omics, Revvity
Classification: Uncertain significance. Last evaluated: 2024-10-28. Review status: criteria provided, single submitter. Criteria: ACMG Guidelines, 2015. Collection method: clinical testing. Allele origin: germline.

Labcorp Genetics (formerly Invitae), Labcorp
Classification: Uncertain significance for Walker-Warburg congenital muscular dystrophy. Last evaluated: 2022-06-02. Review status: criteria provided, single submitter. Criteria: Invitae Variant Classification Sherloc (09022015). Collection method: clinical testing. Allele origin: germline.
Comment: This sequence change replaces histidine, which is basic and polar, with glutamine, which is neutral and polar, at codon 177 of the FKTN protein (p.His177Gln). This variant is present in population databases (rs534638144, gnomAD 0.06%), including at least one homozygous and/or hemizygous individual. This variant has not been reported in the literature in individuals affected with FKTN-related conditions. ClinVar contains an entry for this variant (Variation ID: 285381). Algorithms developed to predict the effect of missense changes on protein structure and function are either unavailable or do not agree on the potential impact of this missense change (SIFT: "Tolerated"; PolyPhen-2: "Possibly Damaging"; Align-GVGD: "Class C0"). In summary, the available evidence is currently insufficient to determine the role of this variant in disease. Therefore, it has been classified as a Variant of Uncertain Significance.

Fulgent Genetics
Classification: Uncertain significance for Muscular dystrophy-dystroglycanopathy (congenital with brain and eye anomalies), type A1; Muscular dystrophy-dystroglycanopathy (congenital with brain and eye anomalies), type A, 4; Autosomal recessive limb-girdle muscular dystrophy type 2M; Dilated cardiomyopathy 1X; Muscular dystrophy-dystroglycanopathy (congenital without impaired intellectual development), type B, 4. Last evaluated: 2021-09-13. Review status: criteria provided, single submitter. Criteria: ACMG Guidelines, 2015. Collection method: clinical testing. Allele origin: unknown.

Eurofins Ntd Llc (ga)
Classification: Uncertain significance. Last evaluated: 2015-12-22. Review status: criteria provided, single submitter. Criteria: EGL Classification Definitions 2015. Collection method: clinical testing. Allele origin: germline. Observed: 1 variant allele, 1 heterozygote.